The following is an entry in ClinVar:

ClinVar aggregate classification (germline): Conflicting classifications of pathogenicity. Review status: criteria provided, conflicting classifications (1 of 4 stars). 4 submissions from 3 submitters: Uncertain significance (1); Benign (1); Likely benign (2). Last evaluated 2025-11-13.

Conditions:
Autosomal dominant cerebellar ataxia. Also called: Spinocerebellar Ataxia, Dominant. Identifiers: Orphanet 99, MedGen C4087347, MONDO:0020380.
Charcot-Marie-Tooth disease axonal type 2O. Also called: Charcot-Marie-Tooth disease, axonal, type 20; CHARCOT-MARIE-TOOTH NEUROPATHY, AXONAL, TYPE 2O; CHARCOT-MARIE-TOOTH DISEASE, AXONAL, AUTOSOMAL DOMINANT, TYPE 2O; Charcot-Marie-Tooth Neuropathy Type 2O. Identifiers: Orphanet 284232, MedGen C3280220, MONDO:0013644, OMIM 614228.

Allele frequency attached by ClinVar (database versions not stated): gnomAD exomes below 0.00001 and 0.00002; ExAC 0.00002; gnomAD 0.00003; TOPMed 0.00007.
gnomAD v4.1: 12 of 1,614,082 alleles (0.00074%); highest among the groups gnomAD compares: East Asian, 0.0089%; no homozygotes.

Submissions (4):

Labcorp Genetics (formerly Invitae), Labcorp
Classification: Likely benign for Charcot-Marie-Tooth disease axonal type 2O. Last evaluated: 2025-11-13. Review status: criteria provided, single submitter. Criteria: Invitae Variant Classification Sherloc (09022015). Collection method: clinical testing. Allele origin: germline.

Mayo Clinic Laboratories, Mayo Clinic
Classification: Likely benign. Last evaluated: 2025-05-07. Review status: criteria provided, single submitter. Criteria: ACMG Guidelines, 2015. Collection method: clinical testing. Allele origin: germline. Observed: 1 variant allele.
Comment: BP4, BP7

Illumina Laboratory Services, Illumina
Classification: Uncertain significance for Spinocerebellar Ataxia, Dominant. Last evaluated: 2017-08-02. Review status: criteria provided, single submitter. Criteria: ICSL Variant Classification Criteria 13 December 2019. Collection method: clinical testing. Allele origin: germline.

Illumina Laboratory Services, Illumina
Classification: Benign for Charcot-Marie-Tooth disease axonal type 2O. Last evaluated: 2017-08-02. Review status: criteria provided, single submitter. Criteria: ICSL Variant Classification Criteria 13 December 2019. Collection method: clinical testing. Allele origin: germline.
Comment: This variant was observed as part of a predisposition screen in an ostensibly healthy population. A literature search was performed for the gene, cDNA change, and amino acid change (where applicable). No publications were found based on this search. Allele frequency data from public databases was too high to be consistent with this variant causing disease. Therefore, this variant is classified as benign.

NM_001376.5(DYNC1H1):c.1086A>G (p.Thr362=)

Gene: DYNC1H1 (dynein cytoplasmic 1 heavy chain 1; plus strand). Cytogenetic location: 14q32.31.
Variant type: single nucleotide variant.
Coding change: c.1086A>G on transcript NM_001376.5 (MANE Select); coding-DNA position 1086, A replaced by G.
Protein change: p.Thr362=; no amino-acid change (threonine 362 retained).
Molecular consequence: synonymous variant.
Genome position (GRCh38, 1-based): chr14:101,983,143, A>G. VCF-style: chr14-101983143-A-G. GRCh37 (hg19) VCF-style: chr14-102449480-A-G.
Other names: p.Thr362=.
Identifiers: ClinVar variation 881314 (VCV000881314.13), dbSNP rs17540728, ClinGen allele CA7351639.
Genomic context (GRCh38, chr14:101,983,143, plus strand): 5'-TGATTTGCTGTCTGCCACGGAGCTGGACAAAATAAGACAGGCGCTTGTTGCCATTTTCAC[A>G]CATTTGAGAAAGATCCGAAACACAAAATATCCTATTCAGAGGGCACTGCGTTTGGTGGAG-3'
Protein context (NP_001367.2, residues 352-372): KIRQALVAIF[Thr362=]HLRKIRNTKY